The following is an entry in ClinVar:

ClinVar aggregate classification (germline): Uncertain significance (1 of 4 stars; one submission).

Conditions:
Nephrolithiasis/nephrocalcinosis. Identifiers: MedGen CN580796.

Allele frequency attached by ClinVar (database versions not stated): TOPMed below 0.00001.

Submission:

Ambry Genetics
Classification: Uncertain significance for Nephrolithiasis/nephrocalcinosis. Last evaluated: 2021-06-10. Review status: criteria provided, single submitter. Criteria: Ambry Variant Classification Scheme 2023. Collection method: clinical testing. Allele origin: germline.
Comment: The p.S834F variant (also known as c.2501C>T), located in coding exon 6 of the CASR gene, results from a C to T substitution at nucleotide position 2501. The serine at codon 834 is replaced by phenylalanine, an amino acid with highly dissimilar properties. This amino acid position is conserved. In addition, this alteration is predicted to be deleterious by in silico analysis. Since supporting evidence is limited at this time, the clinical significance of this alteration remains unclear.

NM_000388.4(CASR):c.2501C>T (p.Ser834Phe)

Gene: CASR (calcium sensing receptor; plus strand). Cytogenetic location: 3q21.1.
Variant type: single nucleotide variant.
Coding change: c.2501C>T on transcript NM_000388.4 (MANE Select); coding-DNA position 2501, C replaced by T.
Protein change: p.Ser834Phe; replaces serine 834 with phenylalanine.
Molecular consequence: missense variant.
Genome position (GRCh38, 1-based): chr3:122,284,455, C>T. VCF-style: chr3-122284455-C-T. GRCh37 (hg19) VCF-style: chr3-122003302-C-T.
Other names: c.2531C>T, p.Ser844Phe (NM_001178065.2); short protein forms S834F, S844F.
Identifiers: ClinVar variation 1792258 (VCV001792258.2), dbSNP rs1439305102, ClinGen allele CA354160090.
Genomic context (GRCh38, chr3:122,284,455, plus strand): 5'-TCTTCATCGTCTGGATCTCCTTCATTCCAGCCTATGCCAGCACCTATGGCAAGTTTGTCT[C>T]TGCCGTAGAGGTGATTGCCATCCTGGCAGCCAGCTTTGGCTTGCTGGCGTGCATCTTCTT-3'
Protein context (NP_000379.3, residues 824-844): AYASTYGKFV[Ser834Phe]AVEVIAILAA